The following is an entry in ClinVar:

NM_000962.4(PTGS1):c.969C>T (p.Gly323=)

Genes: PTGS1 (prostaglandin-endoperoxide synthase 1; plus strand), LOC126860757 (P300/CBP strongly-dependent group 1 enhancer GRCh37_chr9:125145815-125147014; plus strand). Cytogenetic location: 9q33.2.
Variant type: single nucleotide variant.
Coding change: c.969C>T on transcript NM_000962.4 (MANE Select); coding-DNA position 969, C replaced by T.
Protein change: p.Gly323=; no amino-acid change (glycine 323 retained).
Molecular consequence: synonymous variant.
Genome position (GRCh38, 1-based): chr9:122,383,715, C>T. VCF-style: chr9-122383715-C-T. GRCh37 (hg19) VCF-style: chr9-125145994-C-T.
Other names: NC_000009.11:g.125145994C>T; p.Gly323=; c.825C>T, p.Gly275= (NM_001271164.2); c.642C>T, p.Gly214= (NM_001271165.2, NM_001271166.2, NM_001271367.2); c.894C>T, p.Gly298= (NM_001271368.2); c.969C>T, p.Gly323= (NM_080591.3).
Identifiers: ClinVar variation 4351497 (VCV004351497.2).
Genomic context (GRCh38, chr9:122,383,715, plus strand): 5'-CTGGCTACGTGAGCACAACCGTGTGTGTGACCTGCTGAAGGCTGAGCACCCCACCTGGGG[C>T]GATGAGCAGCTTTTCCAGACGACCCGCCTCATCCTCATAGGTGAGGACTCCAGACCTGCC-3'
Protein context (NP_000953.2, residues 313-333): DLLKAEHPTW[Gly323=]DEQLFQTTRL

ClinVar aggregate classification (germline): Likely benign (1 of 4 stars; one submission).

gnomAD v4.1: 1,120 of 1,613,528 alleles (0.069%); highest among the groups gnomAD compares: Admixed American, 1.6%; 10 homozygotes.

Submissions (2):

Mayo Clinic Laboratories, Mayo Clinic
Classification: Likely benign. Last evaluated: 2024-01-19. Review status: criteria provided, single submitter. Criteria: ACMG Guidelines, 2015. Collection method: clinical testing. Allele origin: germline. Observed: 4 variant alleles.
Comment: BS1, BS2_supporting, BP4, BP7

Dr. Peter K. Rogan Lab, Western University
No classification provided (evidence only). Condition: Ovarian serous cystadenocarcinoma. Review status: no classification provided. Collection method: in vitro. Allele origin: not applicable. Functional consequence: retained intron. Not counted in ClinVar's aggregate classification.